The following is an entry in ClinVar:

ClinVar aggregate classification (germline): Uncertain significance (1 of 4 stars; one submission).

Conditions:
SIM1-related disorder. Also called: SIM1-related disorders; SIM1-related condition.

Submission:

PreventionGenetics, part of Exact Sciences
Classification: Uncertain significance for SIM1-related condition. Last evaluated: 2025-08-05. Review status: criteria provided, single submitter. Criteria: ACMG Guidelines, 2015. Collection method: clinical testing. Allele origin: germline.
Comment: The SIM1 c.1877A>G variant is predicted to result in the amino acid substitution p.Asn626Ser. To our knowledge, this variant has not been reported in the literature or in a large population database, indicating this variant is rare. At this time, the clinical significance of this variant is uncertain due to the absence of conclusive functional and genetic evidence.

NM_005068.3(SIM1):c.1877A>G (p.Asn626Ser)

Gene: SIM1 (SIM bHLH transcription factor 1; minus strand). Cytogenetic location: 6q16.3.
Variant type: single nucleotide variant.
Coding change: c.1877A>G on transcript NM_005068.3 (MANE Select); coding-DNA position 1877, A replaced by G.
Protein change: p.Asn626Ser; replaces asparagine 626 with serine.
Molecular consequence: missense variant.
Genome position (GRCh38, 1-based): chr6:100,390,785, T>C on the plus strand (A>G on the coding strand, the complement: SIM1 is on the minus strand). VCF-style: chr6-100390785-T-C. GRCh37 (hg19) VCF-style: chr6-100838661-T-C.
Other names: c.1877A>G, p.Asn626Ser (NM_001374769.1); short protein forms N626S.
Identifiers: ClinVar variation 4985136 (VCV004985136.1).